The following is an entry in ClinVar:

ClinVar aggregate classification (germline): Uncertain significance. Review status: criteria provided, multiple submitters, no conflicts (2 of 4 stars). 5 submissions from 5 submitters: Uncertain significance (5). Last evaluated 2025-11-03.

Conditions:
Bronchiectasis with or without elevated sweat chloride 1 (BESC1). Also called: Cystic Fibrosis-Like Syndrome. Identifiers: Orphanet 60033, MedGen C2749757, MONDO:0008887, OMIM 211400.
Pseudohypoaldosteronism, type IB2, autosomal recessive (PHA1B2). Identifiers: MedGen C5774255, MONDO:0859317, OMIM 620125.
Liddle syndrome 1 (LIDLS1). Also called: PSEUDOALDOSTERONISM. Identifiers: Orphanet 526, MedGen CN031472, MONDO:0020607, OMIM 177200.
Inborn genetic diseases. Identifiers: MedGen C0950123, MeSH D030342.

Allele frequency attached by ClinVar (database versions not stated): gnomAD exomes 0.00002 and 0.00008; ExAC 0.00009; gnomAD 0.00025 and 0.00029; TOPMed 0.00026; ESP Exome Variant Server 0.00038.
gnomAD v4.1: 73 of 1,614,040 alleles (0.0045%); highest among the groups gnomAD compares: African/African-American, 0.093%; no homozygotes.

Submissions (5):

Labcorp Genetics (formerly Invitae), Labcorp
Classification: Uncertain significance. Last evaluated: 2025-11-03. Review status: criteria provided, single submitter. Criteria: Invitae Variant Classification Sherloc (09022015). Collection method: clinical testing. Allele origin: germline.
Comment: This sequence change replaces histidine, which is basic and polar, with arginine, which is basic and polar, at codon 268 of the SCNN1B protein (p.His268Arg). This variant is present in population databases (rs138004955, gnomAD 0.1%). This variant has not been reported in the literature in individuals affected with SCNN1B-related conditions. ClinVar contains an entry for this variant (Variation ID: 1343467). Invitae Evidence Modeling of protein sequence and biophysical properties (such as structural, functional, and spatial information, amino acid conservation, physicochemical variation, residue mobility, and thermodynamic stability) indicates that this missense variant is not expected to disrupt SCNN1B protein function with a negative predictive value of 80%. In summary, the available evidence is currently insufficient to determine the role of this variant in disease. Therefore, it has been classified as a Variant of Uncertain Significance.

Women's Health and Genetics/Laboratory Corporation of America, LabCorp
Classification: Uncertain significance. Last evaluated: 2024-10-07. Review status: criteria provided, single submitter. Criteria: LabCorp Variant Classification Summary - May 2015. Collection method: clinical testing. Allele origin: germline.
Comment: Variant summary: SCNN1B c.803A>G (p.His268Arg) results in a non-conservative amino acid change in the encoded protein sequence. Four of five in-silico tools predict a benign effect of the variant on protein function. The variant allele was found at a frequency of 7.6e-05 in 251492 control chromosomes. This frequency is not significantly higher than estimated for a pathogenic variant in SCNN1B causing SCNN1B-Related Disorders, allowing no conclusion about variant significance. To our knowledge, no occurrence of c.803A>G in individuals affected with SCNN1B-Related Disorders and no experimental evidence demonstrating its impact on protein function have been reported. ClinVar contains an entry for this variant (Variation ID: 1343467). Based on the evidence outlined above, the variant was classified as uncertain significance.

Athena Diagnostics
Classification: Uncertain significance. Last evaluated: 2024-05-15. Review status: criteria provided, single submitter. Criteria: Athena Diagnostics Criteria. Collection method: clinical testing. Allele origin: unknown.
Comment: Available data are insufficient to determine the clinical significance of the variant at this time. The frequency of this variant in the general population is higher than would generally be expected for pathogenic variants in this gene. Polyphen and MutationTaster predict this amino acid change may be benign.

Fulgent Genetics
Classification: Uncertain significance for Liddle syndrome 1; Bronchiectasis with or without elevated sweat chloride 1; Pseudohypoaldosteronism, type IB2, autosomal recessive. Last evaluated: 2024-03-27. Review status: criteria provided, single submitter. Criteria: ACMG Guidelines, 2015. Collection method: clinical testing. Allele origin: germline.

Ambry Genetics
Classification: Uncertain significance for Inborn genetic diseases. Last evaluated: 2024-01-19. Review status: criteria provided, single submitter. Criteria: Ambry Variant Classification Scheme 2023. Collection method: clinical testing. Allele origin: germline.

NM_000336.3(SCNN1B):c.803A>G (p.His268Arg)

Gene: SCNN1B (sodium channel epithelial 1 subunit beta; plus strand). Cytogenetic location: 16p12.2.
Variant type: single nucleotide variant.
Coding change: c.803A>G on transcript NM_000336.3 (MANE Select); coding-DNA position 803, A replaced by G.
Protein change: p.His268Arg; replaces histidine 268 with arginine.
Molecular consequence: missense variant.
Genome position (GRCh38, 1-based): chr16:23,367,882, A>G. VCF-style: chr16-23367882-A-G. GRCh37 (hg19) VCF-style: chr16-23379203-A-G.
Other names: short protein forms H268R.
Identifiers: ClinVar variation 1343467 (VCV001343467.9), dbSNP rs138004955, ClinGen allele CA7960260.
Genomic context (GRCh38, chr16:23,367,882, plus strand): 5'-GAACCTGCCCTGCAGCTGATGCTGTTTCTTTTAGGAACTTCACGTCCATCTTCTACCCTC[A>G]CTATGGCAACTGTTACATCTTCAACTGGGGCATGACAGAGAAGGCACTTCCTTCGGCCAA-3'
Protein context (NP_000327.2, residues 258-278): YRNFTSIFYP[His268Arg]YGNCYIFNWG